The following is an entry in ClinVar:

NM_138576.4(BCL11B):c.1435C>T (p.His479Tyr)

Gene: BCL11B (BCL11 transcription factor B; minus strand). Cytogenetic location: 14q32.2.
Variant type: single nucleotide variant.
Coding change: c.1435C>T on transcript NM_138576.4 (MANE Select); coding-DNA position 1435, C replaced by T.
Protein change: p.His479Tyr; replaces histidine 479 with tyrosine.
Molecular consequence: missense variant.
Genome position (GRCh38, 1-based): chr14:99,175,401, G>A on the plus strand (C>T on the coding strand, the complement: BCL11B is on the minus strand). VCF-style: chr14-99175401-G-A. GRCh37 (hg19) VCF-style: chr14-99641738-G-A.
Other names: c.1432C>T, p.His478Tyr (NM_001282237.2); c.1219C>T, p.His407Tyr (NM_001282238.2); c.1222C>T, p.His408Tyr (NM_022898.3); short protein forms H407Y, H408Y, H478Y, H479Y.
Identifiers: ClinVar variation 2504825 (VCV002504825.1), dbSNP rs2503646357, ClinGen allele CA390935372.
Genomic context (GRCh38, chr14:99,175,401, plus strand): 5'-CGGGGGAGCTGGCGGCCGAGAGCCCGTCGTCGGAGCGGCCGGCCAGCGAGCCGGCCTTGT[G>A]CATGTGCGTCTTCATGTGGCGCTTGAGCTTGCTGGCCTGCGAGCACGCGTGGTCGCACAG-3'
Protein context (NP_612808.1, residues 469-489): KLKRHMKTHM[His479Tyr]KAGSLAGRSD

ClinVar aggregate classification (germline): Uncertain significance (1 of 4 stars; one submission).

Submission:

GeneDx
Classification: Uncertain significance. Last evaluated: 2022-12-09. Review status: criteria provided, single submitter. Criteria: GeneDx Variant Classification Process June 2021. Collection method: clinical testing. Allele origin: germline. Affected: yes.
Comment: Not observed at significant frequency in large population cohorts (gnomAD); In silico analysis supports that this missense variant has a deleterious effect on protein structure/function; Has not been previously published as pathogenic or benign to our knowledge